The following is an entry in ClinVar:

ClinVar aggregate classification (germline): Benign. Review status: criteria provided, multiple submitters, no conflicts (2 of 4 stars). 11 submissions from 10 submitters: Benign (9). 2 of the submissions do not count toward it. Last evaluated 2026-02-03.

Conditions:
Erythrokeratodermia variabilis et progressiva 1 (EKVP1). Also called: ERYTHROKERATODERMIA FIGURATA, CONGENITAL FAMILIAL, IN PLAQUES; ERYTHROKERATODERMIA VARIABILIS WITH ERYTHEMA GYRATUM REPENS; ERYTHROKERATODERMIA, PROGRESSIVE SYMMETRIC. Identifiers: Orphanet 317, MedGen C4551486, MONDO:0033010, OMIM 133200.
Autosomal dominant nonsyndromic hearing loss 2B. Also called: DEAFNESS, AUTOSOMAL DOMINANT, WITH OR WITHOUT PERIPHERAL NEUROPATHY. Identifiers: Orphanet 90635, MedGen C2675236, MONDO:0012976, OMIM 612644.

Allele frequency attached by ClinVar (database versions not stated): ESP Exome Variant Server 0.06697; TOPMed 0.06835; gnomAD 0.07121; 1000 Genomes Project 30x 0.09354; 1000 Genomes Project 0.09764.

Submissions (11):

Labcorp Genetics (formerly Invitae), Labcorp
Classification: Benign. Last evaluated: 2026-02-03. Review status: criteria provided, single submitter. Criteria: Invitae Variant Classification Sherloc (09022015). Collection method: clinical testing. Allele origin: germline.

Genome-Nilou Lab
Classification: Benign for Autosomal dominant nonsyndromic hearing loss 2B. Last evaluated: 2021-08-10. Review status: criteria provided, single submitter. Criteria: ACMG Guidelines, 2015. Collection method: clinical testing. Allele origin: germline. Affected: no.

Genome-Nilou Lab
Classification: Benign for Erythrokeratodermia variabilis et progressiva 1. Last evaluated: 2021-08-10. Review status: criteria provided, single submitter. Criteria: ACMG Guidelines, 2015. Collection method: clinical testing. Allele origin: germline. Affected: no.

Illumina Laboratory Services, Illumina
Classification: Benign for Erythrokeratodermia variabilis et progressiva 1. Last evaluated: 2018-01-12. Review status: criteria provided, single submitter. Criteria: ICSL Variant Classification Criteria 13 December 2019. Collection method: clinical testing. Allele origin: germline.
Comment: This variant was observed in the ICSL laboratory as part of a predisposition screen in an ostensibly healthy population. It had not been previously curated by ICSL or reported in the Human Gene Mutation Database (HGMD: prior to June 1st, 2018), and was therefore a candidate for classification through an automated scoring system. Utilizing variant allele frequency, disease prevalence and penetrance estimates, and inheritance mode, an automated score was calculated to assess if this variant is too frequent to cause the disease. Based on the score and internal cut-off values, a variant classified as benign is not then subjected to further curation. The score for this variant resulted in a classification of benign for this disease.

Eurofins Ntd Llc (ga)
Classification: Benign. Last evaluated: 2016-10-04. Review status: criteria provided, single submitter. Criteria: EGL Classification Definitions 2015. Collection method: clinical testing. Allele origin: germline. Observed: 1 variant allele, 1 heterozygote.

GeneDx
Classification: Benign. Last evaluated: 2015-03-03. Review status: criteria provided, single submitter. Criteria: GeneDx Variant Classification Process June 2021. Collection method: clinical testing. Allele origin: germline. Affected: yes.

Laboratory for Molecular Medicine, Mass General Brigham Personalized Medicine
Classification: Benign. Last evaluated: 2012-05-07. Review status: criteria provided, single submitter. Criteria: LMM Criteria. Collection method: clinical testing. Allele origin: germline. Observed: 92 variant alleles.
Comment: "Asn119Asn in Exon 02 of GJB3: This variant is not expected to have clinical sig nificance because it does not alter an amino acid residue, is not located within the splice consensus sequence, and has been identified in 9.9% (370/3738) of Af rican American chromosomes from a broad population by the NHLBI Exome Sequencing Project (dbSNP rs41310442)."

Breakthrough Genomics
Classification: Benign. Review status: criteria provided, single submitter. Criteria: ACMG Guidelines, 2015. Collection method: not provided. Allele origin: germline. Inheritance: Autosomal dominant inheritance. Affected: yes.

PreventionGenetics, part of Exact Sciences
Classification: Benign. Review status: criteria provided, single submitter. Criteria: ACMG Guidelines, 2015. Collection method: clinical testing. Allele origin: germline.

Clinical Genetics, Academic Medical Center
Classification: Benign. Review status: no assertion criteria provided. Collection method: clinical testing. Allele origin: germline. Affected: yes. Study: VKGL Data-share Consensus. Not counted in ClinVar's aggregate classification.

Joint Genome Diagnostic Labs from Nijmegen and Maastricht, Radboudumc and MUMC+
Classification: Benign. Review status: no assertion criteria provided. Collection method: clinical testing. Allele origin: germline. Affected: yes. Study: VKGL Data-share Consensus. Not counted in ClinVar's aggregate classification.

NM_024009.3(GJB3):c.357C>T (p.Asn119=)

Gene: GJB3 (gap junction protein beta 3; plus strand). Cytogenetic location: 1p34.3.
Variant type: single nucleotide variant.
Coding change: c.357C>T on transcript NM_024009.3 (MANE Select); coding-DNA position 357, C replaced by T.
Protein change: p.Asn119=; no amino-acid change (asparagine 119 retained).
Molecular consequence: synonymous variant.
Genome position (GRCh38, 1-based): chr1:34,785,119, C>T. VCF-style: chr1-34785119-C-T. GRCh37 (hg19) VCF-style: chr1-35250720-C-T.
Other names: c.357C>T, p.Asn119= (NM_001005752.2).
Identifiers: ClinVar variation 46084 (VCV000046084.28), dbSNP rs41310442, ClinGen allele CA137657.